The following is an entry in ClinVar:

ClinVar aggregate classification (germline): Conflicting classifications of pathogenicity. Review status: criteria provided, conflicting classifications (1 of 4 stars). 2 submissions from 2 submitters: Likely pathogenic (1); Uncertain significance (1). Last evaluated 2026-06-12.

Conditions:
Donnai-Barrow syndrome. Also called: DBS/FOAR SYNDROME; FACIOOCULOACOUSTICORENAL SYNDROME. Identifiers: Orphanet 2143, MedGen C1857277, MONDO:0009104, OMIM 222448.
LRP2-related disorder. Also called: LRP2-related condition.

gnomAD v4.1: 58 of 1,612,818 alleles (0.0036%); highest among the groups gnomAD compares: Non-Finnish European, 0.0049%; no homozygotes.

Submissions (2):

Victorian Clinical Genetics Services, Murdoch Childrens Research Institute
Classification: Uncertain significance for Donnai-Barrow syndrome. Last evaluated: 2026-06-12. Review status: criteria provided, single submitter. Criteria: ACMG Guidelines, 2015. Collection method: clinical testing. Allele origin: germline. Affected: yes.
Comment: This variant is classified as VUS-3B. Evidence in support of pathogenic classification: Variant is present in gnomAD <0.01 for a recessive condition (v4: 58 heterozygote(s), 0 homozygote(s)); Missense variant predicted to be damaging by in silico tool(s) or highly conserved with a major amino acid change. Additional information: Variant is predicted to result in a missense amino acid change from Asp to Asn; This variant is heterozygous; This gene is associated with autosomal recessive disease; This variant has no previous evidence of pathogenicity; No published evidence of segregation with disease has been identified for this variant; No published functional evidence has been identified for this variant; No comparable missense variants have previous evidence for pathogenicity; Variant is not located in an established domain, motif, hotspot or informative constraint region; Loss of function is a known mechanism of disease in this gene and is associated with Donnai-Barrow syndrome (MIM#222448). - Variants in this gene are known to have variable expressivity (PMID: 20301732); Inheritance information for this variant is not currently available in this individual.

Blueprint Genetics
Classification: Likely pathogenic for LRP2-related disorders. Last evaluated: 2024-01-17. Review status: criteria provided, single submitter. Criteria: ACMG Guidelines, 2015. Collection method: clinical testing. Allele origin: germline. Affected: yes. Observed: 5 variant alleles.

Literature cited by the submitters: PubMed 20301732 (cited by Victorian Clinical Genetics Services, Murdoch Childrens Research Institute).

NM_004525.3(LRP2):c.2275G>A (p.Asp759Asn)

Gene: LRP2 (LDL receptor related protein 2; minus strand). Cytogenetic location: 2q31.1.
Variant type: single nucleotide variant.
Coding change: c.2275G>A on transcript NM_004525.3 (MANE Select); coding-DNA position 2275, G replaced by A.
Protein change: p.Asp759Asn; replaces aspartic acid 759 with asparagine.
Molecular consequence: missense variant.
Genome position (GRCh38, 1-based): chr2:169,270,949, C>T on the plus strand (G>A on the coding strand, the complement: LRP2 is on the minus strand). VCF-style: chr2-169270949-C-T. GRCh37 (hg19) VCF-style: chr2-170127459-C-T.
Other names: short protein forms D759N.
Identifiers: ClinVar variation 4879675 (VCV004879675.2).